The following is an entry in ClinVar:

NM_000539.3(RHO):c.833A>C (p.His278Pro)

Gene: RHO (rhodopsin; plus strand). Cytogenetic location: 3q22.1.
Variant type: single nucleotide variant.
Coding change: c.833A>C on transcript NM_000539.3 (MANE Select); coding-DNA position 833, A replaced by C.
Protein change: p.His278Pro; replaces histidine 278 with proline.
Molecular consequence: missense variant.
Genome position (GRCh38, 1-based): chr3:129,532,669, A>C. VCF-style: chr3-129532669-A-C. GRCh37 (hg19) VCF-style: chr3-129251512-A-C.
Other names: short protein forms H278P.
Identifiers: ClinVar variation 1525276 (VCV001525276.8), dbSNP rs2108750497, ClinGen allele CA354470517.
Genomic context (GRCh38, chr3:129,532,669, plus strand): 5'-TCATCGCTTTCCTGATCTGCTGGGTGCCCTACGCCAGCGTGGCATTCTACATCTTCACCC[A>C]CCAGGGCTCCAACTTCGGTCCCATCTTCATGACCATCCCAGCGTTCTTTGCCAAGAGCGC-3'
Protein context (NP_000530.1, residues 268-288): YASVAFYIFT[His278Pro]QGSNFGPIFM

ClinVar aggregate classification (germline): Uncertain significance (1 of 4 stars; one submission).

Submission:

Labcorp Genetics (formerly Invitae), Labcorp
Classification: Uncertain significance. Last evaluated: 2023-08-04. Review status: criteria provided, single submitter. Criteria: Invitae Variant Classification Sherloc (09022015). Collection method: clinical testing. Allele origin: germline.
Comment: This sequence change replaces histidine, which is basic and polar, with proline, which is neutral and non-polar, at codon 278 of the RHO protein (p.His278Pro). This variant is not present in population databases (gnomAD no frequency). This variant has not been reported in the literature in individuals affected with RHO-related conditions. ClinVar contains an entry for this variant (Variation ID: 1525276). Advanced modeling of protein sequence and biophysical properties (such as structural, functional, and spatial information, amino acid conservation, physicochemical variation, residue mobility, and thermodynamic stability) has been performed at Invitae for this missense variant, however the output from this modeling did not meet the statistical confidence thresholds required to predict the impact of this variant on RHO protein function. In summary, the available evidence is currently insufficient to determine the role of this variant in disease. Therefore, it has been classified as a Variant of Uncertain Significance.